The following is an entry in ClinVar:

NM_000181.4(GUSB):c.434del (p.Gly145fs)

Gene: GUSB (glucuronidase beta; minus strand). Cytogenetic location: 7q11.21.
Variant type: Deletion.
Coding change: c.434del on transcript NM_000181.4 (MANE Select); coding-DNA position 434, one base deleted (G; older notation c.434delG).
Protein change: p.Gly145fs; shifts the reading frame from glycine 145.
Molecular consequence: frameshift variant. On other transcripts: non-coding transcript variant (1), intron variant (2).
Genome position (GRCh38, 1-based): chr7:65,979,874, C deleted on the plus strand (G on the coding strand, the reverse complement: GUSB is on the minus strand); the first of 6 consecutive C bases (chr7:65,979,874-65,979,879); deleting any one gives the same sequence. VCF-style (leftmost placement, unchanged base first): chr7-65979873-GC-G. GRCh37 (hg19) VCF-style: chr7-65444860-GC-G.
Other names: c.434del, p.Gly145fs (NM_001284290.2); c.67+350del (NM_001293105.2); c.12-333del (NM_001293104.2); short protein forms G145fs.
Identifiers: ClinVar variation 2891880 (VCV002891880.3), dbSNP rs1791872095, ClinGen allele CA1713887962.

ClinVar aggregate classification (germline): Pathogenic (1 of 4 stars; one submission).

Conditions:
Mucopolysaccharidosis type 7 (MPS7). Also called: MPS VII; SLY SYNDROME; BETA-GLUCURONIDASE DEFICIENCY; GUSB DEFICIENCY. Identifiers: Orphanet 584, MedGen C0085132, MONDO:0009662, OMIM 253220.

Submission:

Labcorp Genetics (formerly Invitae), Labcorp
Classification: Pathogenic for Mucopolysaccharidosis type 7. Last evaluated: 2024-07-22. Review status: criteria provided, single submitter. Criteria: Invitae Variant Classification Sherloc (09022015). Collection method: clinical testing. Allele origin: germline.
Comment: This sequence change creates a premature translational stop signal (p.Gly145Alafs*45) in the GUSB gene. It is expected to result in an absent or disrupted protein product. Loss-of-function variants in GUSB are known to be pathogenic (PMID: 19224584). This variant is not present in population databases (gnomAD no frequency). This variant has not been reported in the literature in individuals affected with GUSB-related conditions. For these reasons, this variant has been classified as Pathogenic.

Literature cited by the submitters: PubMed 19224584.